The following is an entry in ClinVar:

NM_001085487.3(MYSM1):c.20A>T (p.Asp7Val)

Genes: MYSM1 (Myb like, SWIRM and MPN domains 1; minus strand), LOC129930616 (ATAC-STARR-seq lymphoblastoid active region 1087; plus strand). Cytogenetic location: 1p32.1.
Variant type: single nucleotide variant.
Coding change: c.20A>T on transcript NM_001085487.3 (MANE Select); coding-DNA position 20, A replaced by T.
Protein change: p.Asp7Val; replaces aspartic acid 7 with valine.
Molecular consequence: missense variant.
Genome position (GRCh38, 1-based): chr1:58,700,033, T>A on the plus strand (A>T on the coding strand, the complement: MYSM1 is on the minus strand). VCF-style: chr1-58700033-T-A. GRCh37 (hg19) VCF-style: chr1-59165705-T-A.
Other names: c.20A>T (NM_001085487.2); short protein forms D7V.
Identifiers: ClinVar variation 1506187 (VCV001506187.12), dbSNP rs1033445075, ClinGen allele CA340534626.
Genomic context (GRCh38, chr1:58,700,033, plus strand): 5'-TCTAAGCCTCACCCTGGCTGTGCCCCCGCCGCCGCTACCACGTCCCCTTCGATATCCACA[T>A]CCGCCTCTTCAGCCGCCATGATGGGACCTGACCCCGTCCGTCCTCCCGAGAGATCCCGCG-3'
Protein context (NP_001078956.1, residues 1-17): MAAEEA[Asp7Val]VDIEGDVVAA

ClinVar aggregate classification (germline): Uncertain significance. Review status: criteria provided, multiple submitters, no conflicts (2 of 4 stars). 2 submissions from 2 submitters: Uncertain significance (2). Last evaluated 2025-05-17.

Conditions:
Inborn genetic diseases. Identifiers: MedGen C0950123, MeSH D030342.

Allele frequency attached by ClinVar (database versions not stated): gnomAD 0.00006 and 0.00005; gnomAD exomes 0.00003 and 0.00010.
gnomAD v4.1: 149 of 1,613,350 alleles (0.0092%); highest among the groups gnomAD compares: Non-Finnish European, 0.012%; no homozygotes.

Submissions (2):

Ambry Genetics
Classification: Uncertain significance for Inborn genetic diseases. Last evaluated: 2025-05-17. Review status: criteria provided, single submitter. Criteria: Ambry Variant Classification Scheme 2023. Collection method: clinical testing. Allele origin: germline.

Labcorp Genetics (formerly Invitae), Labcorp
Classification: Uncertain significance. Last evaluated: 2024-04-16. Review status: criteria provided, single submitter. Criteria: Invitae Variant Classification Sherloc (09022015). Collection method: clinical testing. Allele origin: germline.
Comment: This sequence change replaces aspartic acid, which is acidic and polar, with valine, which is neutral and non-polar, at codon 7 of the MYSM1 protein (p.Asp7Val). This variant is present in population databases (no rsID available, gnomAD 0.008%). This variant has not been reported in the literature in individuals affected with MYSM1-related conditions. ClinVar contains an entry for this variant (Variation ID: 1506187). Advanced modeling of protein sequence and biophysical properties (such as structural, functional, and spatial information, amino acid conservation, physicochemical variation, residue mobility, and thermodynamic stability) performed at Invitae indicates that this missense variant is not expected to disrupt MYSM1 protein function with a negative predictive value of 80%. In summary, the available evidence is currently insufficient to determine the role of this variant in disease. Therefore, it has been classified as a Variant of Uncertain Significance.